The following is an entry in ClinVar:

ClinVar aggregate classification (germline): Uncertain significance (1 of 4 stars; one submission).

Submission:

GeneDx
Classification: Uncertain significance. Last evaluated: 2025-03-03. Review status: criteria provided, single submitter. Criteria: GeneDx Variant Classification Process June 2021. Collection method: clinical testing. Allele origin: germline. Affected: yes.
Comment: In-frame deletion of 1 amino acid(s) in a non-repeat region; In silico analysis indicates that this variant does not alter protein structure/function; Has not been previously published as pathogenic or benign to our knowledge

NM_002488.5(NDUFA2):c.19_21del (p.Ser7del)

Genes: NDUFA2 (NADH:ubiquinone oxidoreductase subunit A2; minus strand), TMCO6 (transmembrane and coiled-coil domains 6; plus strand). Cytogenetic location: 5q31.3.
Variant type: Deletion.
Coding change: c.19_21del on transcript NM_002488.5 (MANE Select); coding-DNA positions 19 to 21, 3 bases deleted (AGT; older notation c.19_21delAGT).
Protein change: p.Ser7del; deletes serine 7.
Molecular consequence: non-coding transcript variant (on NR_033697.2).
Genome position (GRCh38, 1-based): chr5:140,647,563-140,647,565, ACT deleted on the plus strand (AGT on the coding strand, the reverse complement: NDUFA2 is on the minus strand). VCF-style (leftmost placement, unchanged base first): chr5-140647562-GACT-G. GRCh37 (hg19) VCF-style: chr5-140027147-GACT-G.
Other names: c.19_21del, p.Ser7del (NM_001185012.2); short protein forms S7del.
Identifiers: ClinVar variation 4082600 (VCV004082600.1).